The following is an entry in ClinVar:

NM_001024630.4(RUNX2):c.391C>A (p.Arg131Ser)

Gene: RUNX2 (RUNX family transcription factor 2; plus strand). Cytogenetic location: 6p21.1.
Variant type: single nucleotide variant.
Coding change: c.391C>A on transcript NM_001024630.4 (MANE Select); coding-DNA position 391, C replaced by A.
Protein change: p.Arg131Ser; replaces arginine 131 with serine.
Molecular consequence: missense variant.
Genome position (GRCh38, 1-based): chr6:45,422,925, C>A. VCF-style: chr6-45422925-C-A. GRCh37 (hg19) VCF-style: chr6-45390662-C-A.
Other names: c.391C>A, p.Arg131Ser (NM_001015051.4); c.349C>A, p.Arg117Ser (NM_001278478.2, NM_001369405.1, NM_004348.3); short protein forms R117S, R131S.
Identifiers: ClinVar variation 2136399 (VCV002136399.4), dbSNP rs2548582230, ClinGen allele CA363958660.

ClinVar aggregate classification (germline): Uncertain significance (1 of 4 stars; one submission).

Submission:

Labcorp Genetics (formerly Invitae), Labcorp
Classification: Uncertain significance. Last evaluated: 2024-03-04. Review status: criteria provided, single submitter. Criteria: Invitae Variant Classification Sherloc (09022015). Collection method: clinical testing. Allele origin: germline.
Comment: This sequence change replaces arginine, which is basic and polar, with serine, which is neutral and polar, at codon 131 of the RUNX2 protein (p.Arg131Ser). This variant is not present in population databases (gnomAD no frequency). This missense change has been observed in individual(s) with cleidocranial dysplasia (PMID: 20648631). ClinVar contains an entry for this variant (Variation ID: 2136399). Advanced modeling of protein sequence and biophysical properties (such as structural, functional, and spatial information, amino acid conservation, physicochemical variation, residue mobility, and thermodynamic stability) performed at Invitae indicates that this missense variant is expected to disrupt RUNX2 protein function with a positive predictive value of 80%. This variant disrupts the p.Arg131 amino acid residue in RUNX2. Other variant(s) that disrupt this residue have been determined to be pathogenic (PMID: 16270353, 20225274; Invitae). This suggests that this residue is clinically significant, and that variants that disrupt this residue are likely to be disease-causing. In summary, the available evidence is currently insufficient to determine the role of this variant in disease. Therefore, it has been classified as a Variant of Uncertain Significance.

Literature cited by the submitters: PubMed 20648631; PubMed 16270353; PubMed 20225274.